The following is an entry in ClinVar:

NM_000038.6(APC):c.3675C>G (p.Ala1225=)

Gene: APC (APC regulator of Wnt signaling pathway; plus strand). Cytogenetic location: 5q22.2.
Variant type: single nucleotide variant.
Coding change: c.3675C>G on transcript NM_000038.6 (MANE Select); coding-DNA position 3675, C replaced by G.
Protein change: p.Ala1225=; no amino-acid change (alanine 1225 retained).
Molecular consequence: synonymous variant.
Genome position (GRCh38, 1-based): chr5:112,839,269, C>G. VCF-style: chr5-112839269-C-G. GRCh37 (hg19) VCF-style: chr5-112174966-C-G.
Other names: c.3675C>G, p.Ala1225= (NM_001127510.3, NM_001354895.2); c.3621C>G, p.Ala1207= (NM_001127511.3); c.3729C>G, p.Ala1243= (NM_001354896.2); c.3705C>G, p.Ala1235= (NM_001354897.2); c.3600C>G, p.Ala1200= (NM_001354898.2); c.3591C>G, p.Ala1197= (NM_001354899.2); c.3552C>G, p.Ala1184= (NM_001354900.2); c.3498C>G, p.Ala1166= (NM_001354901.2); and 5 more.
Identifiers: ClinVar variation 490267 (VCV000490267.21), dbSNP rs759214956, ClinGen allele CA036240.

ClinVar aggregate classification (germline): Conflicting classifications of pathogenicity. Review status: criteria provided, conflicting classifications (1 of 4 stars). 6 submissions from 6 submitters: Uncertain significance (1); Benign (1); Likely benign (4). Last evaluated 2025-07-27.

Conditions:
Familial adenomatous polyposis 1 (FAP1). Also called: POLYPOSIS, ADENOMATOUS INTESTINAL; FAMILIAL ADENOMATOUS POLYPOSIS 1, ATTENUATED. Identifiers: MedGen C2713442, MONDO:0021056, OMIM 175100. Disease mechanism: loss of function.
Hereditary cancer-predisposing syndrome. Also called: Hereditary Cancer Syndrome; Neoplastic Syndromes, Hereditary; Tumor predisposition; Hereditary neoplastic syndrome. Identifiers: Orphanet 140162, MedGen C0027672, MeSH D009386, MONDO:0015356.
Classic or attenuated familial adenomatous polyposis. Identifiers: MedGen CN372698, MONDO:0021057.

Allele frequency attached by ClinVar (database versions not stated): ExAC 0.00001; TOPMed 0.00001.
gnomAD v4.1: 2 of 1,613,984 alleles (0.00012%); highest among the groups gnomAD compares: Non-Finnish European, 0.00017%; no homozygotes.

Submissions (6):

Labcorp Genetics (formerly Invitae), Labcorp
Classification: Likely benign for Familial adenomatous polyposis 1. Last evaluated: 2025-07-27. Review status: criteria provided, single submitter. Criteria: Invitae Variant Classification Sherloc (09022015). Collection method: clinical testing. Allele origin: germline.

Myriad Genetics, Inc.
Classification: Benign for Familial adenomatous polyposis 1. Last evaluated: 2024-03-21. Review status: criteria provided, single submitter. Criteria: Myriad Autosomal Dominant, Autosomal Recessive and X-Linked Classification Criteria (2023). Collection method: clinical testing. Allele origin: unknown.
Comment: This variant is considered benign. This variant is a silent/synonymous amino acid change and it is not expected to impact splicing.

GeneDx
Classification: Uncertain significance. Last evaluated: 2023-12-01. Review status: criteria provided, single submitter. Criteria: GeneDx Variant Classification Process June 2021. Collection method: clinical testing. Allele origin: germline. Affected: yes.
Comment: Not observed at significant frequency in large population cohorts (gnomAD); In silico analysis supports that this variant does not alter splicing; Has not been previously published as pathogenic or benign to our knowledge

All of Us Research Program, National Institutes of Health
Classification: Likely benign for Classic or attenuated familial adenomatous polyposis. Last evaluated: 2023-10-02. Review status: criteria provided, single submitter. Criteria: ACMG Guidelines, 2015. Collection method: clinical testing. Allele origin: germline. Inheritance: Autosomal dominant inheritance. Observed: 2 variant alleles, 2 heterozygotes.
Comment: This study involves interpretation of variants in research participants for the purpose of population health screening. Participant phenotype was not available at the time of variant classification. Additional details can be found in publication PMID: 35346344, PMCID: PMC8962531

Ambry Genetics
Classification: Likely benign for Hereditary cancer-predisposing syndrome. Last evaluated: 2017-11-15. Review status: criteria provided, single submitter. Criteria: Ambry Variant Classification Scheme 2023. Collection method: clinical testing. Allele origin: germline.

Color Diagnostics, LLC DBA Color Health
Classification: Likely benign for Hereditary cancer-predisposing syndrome. Last evaluated: 2017-01-17. Review status: criteria provided, single submitter. Criteria: ACMG Guidelines, 2015. Collection method: clinical testing. Allele origin: germline.